The following is an entry in ClinVar:

NM_004618.5(TOP3A):c.2031C>T (p.Leu677=)

Gene: TOP3A (DNA topoisomerase III alpha; minus strand). Cytogenetic location: 17p11.2.
Variant type: single nucleotide variant.
Coding change: c.2031C>T on transcript NM_004618.5 (MANE Select); coding-DNA position 2031, C replaced by T.
Protein change: p.Leu677=; no amino-acid change (leucine 677 retained).
Molecular consequence: synonymous variant.
Genome position (GRCh38, 1-based): chr17:18,280,649, G>A on the plus strand (C>T on the coding strand, the complement: TOP3A is on the minus strand). VCF-style: chr17-18280649-G-A. GRCh37 (hg19) VCF-style: chr17-18183963-G-A.
Other names: c.1746C>T, p.Leu582= (NM_001320759.2); c.2031C>T (NM_004618.4).
Identifiers: ClinVar variation 1604029 (VCV001604029.34), dbSNP rs149912401, ClinGen allele CA8429709.

ClinVar aggregate classification (germline): Likely benign. Review status: criteria provided, multiple submitters, no conflicts (2 of 4 stars). 4 submissions from 4 submitters: Likely benign (3). 1 of the submissions does not count toward it. Last evaluated 2026-01-20.

Conditions:
TOP3A-related disorder. Also called: TOP3A-related condition; TOP3A-related disorders.

Allele frequency attached by ClinVar (database versions not stated): gnomAD exomes 0.00046 and 0.00063; gnomAD 0.00048 and 0.00060; ExAC 0.00056; TOPMed 0.00062; ESP Exome Variant Server 0.00092.
gnomAD v4.1: 1,001 of 1,613,978 alleles (0.062%); highest among the groups gnomAD compares: Middle Eastern, 0.12%; no homozygotes.

Submissions (4):

Labcorp Genetics (formerly Invitae), Labcorp
Classification: Likely benign. Last evaluated: 2026-01-20. Review status: criteria provided, single submitter. Criteria: Invitae Variant Classification Sherloc (09022015). Collection method: clinical testing. Allele origin: germline.

CeGaT Center for Human Genetics Tuebingen
Classification: Likely benign. Last evaluated: 2025-06-01. Review status: criteria provided, single submitter. Criteria: CeGaT Center For Human Genetics Tuebingen Variant Classification Criteria Version 2. Collection method: clinical testing. Allele origin: germline. Affected: yes. Observed: 2 variant alleles.
Comment: TOP3A: BP4, BP7

Blueprint Genetics
Classification: Likely benign. Last evaluated: 2024-11-26. Review status: criteria provided, single submitter. Criteria: ACMG Guidelines, 2015. Collection method: clinical testing. Allele origin: germline.

PreventionGenetics, part of Exact Sciences
Classification: Likely benign for TOP3A-related condition. Last evaluated: 2019-02-21. Review status: no assertion criteria provided. Collection method: clinical testing. Allele origin: germline. Not counted in ClinVar's aggregate classification.
Comment: This variant is classified as likely benign based on ACMG/AMP sequence variant interpretation guidelines (Richards et al. 2015 PMID: 25741868, with internal and published modifications).